The following is an entry in ClinVar:

NM_000507.4(FBP1):c.697T>A (p.Phe233Ile)

Gene: FBP1 (fructose-bisphosphatase 1; minus strand). Cytogenetic location: 9q22.32.
Variant type: single nucleotide variant.
Coding change: c.697T>A on transcript NM_000507.4 (MANE Select); coding-DNA position 697, T replaced by A.
Protein change: p.Phe233Ile; replaces phenylalanine 233 with isoleucine.
Molecular consequence: missense variant.
Genome position (GRCh38, 1-based): chr9:94,606,823, A>T on the plus strand (T>A on the coding strand, the complement: FBP1 is on the minus strand). VCF-style: chr9-94606823-A-T. GRCh37 (hg19) VCF-style: chr9-97369105-A-T.
Other names: p.F233I:TTC>ATC; c.697T>A, p.Phe233Ile (NM_001127628.2); short protein forms F233I.
Identifiers: ClinVar variation 137365 (VCV000137365.16), dbSNP rs2297085, ClinGen allele CA290921.

ClinVar aggregate classification (germline): Benign/Likely benign. Review status: criteria provided, multiple submitters, no conflicts (2 of 4 stars). 4 submissions from 4 submitters: Benign (3); Likely benign (1). Last evaluated 2026-01-26.

Conditions:
Fructose-biphosphatase deficiency (FBP1D). Also called: Fructose-1,6-Bisphosphatase 1 Deficiency; Fructose 1,6 Bisphosphatase Deficiency; Fructose-1,6-Diphosphatase Deficiency. Identifiers: Orphanet 348, MedGen C0016756, MONDO:0009251, OMIM 229700.

Allele frequency attached by ClinVar (database versions not stated): TOPMed 0.00311; 1000 Genomes Project 0.01218; 1000 Genomes Project 30x 0.01140.
gnomAD v4.1: 2,599 of 1,613,752 alleles (0.16%); highest among the groups gnomAD compares: East Asian, 5%; 62 homozygotes.

Submissions (4):

Labcorp Genetics (formerly Invitae), Labcorp
Classification: Benign for Fructose-biphosphatase deficiency. Last evaluated: 2026-01-26. Review status: criteria provided, single submitter. Criteria: Invitae Variant Classification Sherloc (09022015). Collection method: clinical testing. Allele origin: germline.

Mayo Clinic Laboratories, Mayo Clinic
Classification: Benign. Last evaluated: 2025-05-29. Review status: criteria provided, single submitter. Criteria: ACMG Guidelines, 2015. Collection method: clinical testing. Allele origin: germline. Observed: 1 variant allele.
Comment: BA1

Illumina Laboratory Services, Illumina
Classification: Likely benign for Fructose-biphosphatase deficiency. Last evaluated: 2018-01-13. Review status: criteria provided, single submitter. Criteria: ICSL Variant Classification Criteria 13 December 2019. Collection method: clinical testing. Allele origin: germline.
Comment: This variant was observed in the ICSL laboratory as part of a predisposition screen in an ostensibly healthy population. It had not been previously curated by ICSL or reported in the Human Gene Mutation Database (HGMD: prior to June 1st, 2018), and was therefore a candidate for classification through an automated scoring system. Utilizing variant allele frequency, disease prevalence and penetrance estimates, and inheritance mode, an automated score was calculated to assess if this variant is too frequent to cause the disease. Based on the score and internal cut-off values, a variant classified as likely benign is not then subjected to further curation. The score for this variant resulted in a classification of likely benign for this disease.

GeneDx
Classification: Benign. Last evaluated: 2014-05-16. Review status: criteria provided, single submitter. Criteria: GeneDx Variant Classification (06012015). Collection method: clinical testing. Allele origin: germline. Affected: yes.
Comment: This variant is considered likely benign or benign based on one or more of the following criteria: it is a conservative change, it occurs at a poorly conserved position in the protein, it is predicted to be benign by multiple in silico algorithms, and/or has population frequency not consistent with disease.